The following is an entry in ClinVar:

NM_005097.4(LGI1):c.1112A>G (p.Gln371Arg)

Gene: LGI1 (leucine rich glioma inactivated 1; plus strand). Cytogenetic location: 10q23.33.
Variant type: single nucleotide variant.
Coding change: c.1112A>G on transcript NM_005097.4 (MANE Select); coding-DNA position 1112, A replaced by G.
Protein change: p.Gln371Arg; replaces glutamine 371 with arginine.
Molecular consequence: missense variant. On other transcripts: non-coding transcript variant (1), intron variant (1).
Genome position (GRCh38, 1-based): chr10:93,797,241, A>G. VCF-style: chr10-93797241-A-G. GRCh37 (hg19) VCF-style: chr10-95556998-A-G.
Other names: c.968A>G, p.Gln323Arg (NM_001308276.2); c.839-508A>G (NM_001308275.2); short protein forms Q371R, Q323R.
Identifiers: ClinVar variation 949922 (VCV000949922.11), dbSNP rs2059988505, ClinGen allele CA377627767.

ClinVar aggregate classification (germline): Uncertain significance (1 of 4 stars; one submission).

Conditions:
Autosomal dominant epilepsy with auditory features. Identifiers: Orphanet 101046, MedGen C1838062, MONDO:0010898.

Submission:

Labcorp Genetics (formerly Invitae), Labcorp
Classification: Uncertain significance for Autosomal dominant epilepsy with auditory features. Last evaluated: 2019-09-18. Review status: criteria provided, single submitter. Criteria: Invitae Variant Classification Sherloc (09022015). Collection method: clinical testing. Allele origin: germline.
Comment: In summary, the available evidence is currently insufficient to determine the role of this variant in disease. Therefore, it has been classified as a Variant of Uncertain Significance. Algorithms developed to predict the effect of missense changes on protein structure and function are either unavailable or do not agree on the potential impact of this missense change (SIFT: "Tolerated"; PolyPhen-2: "Probably Damaging"; Align-GVGD: "Class C0"). This variant has not been reported in the literature in individuals with LGI1-related conditions. This variant is not present in population databases (ExAC no frequency). This sequence change replaces glutamine with arginine at codon 371 of the LGI1 protein (p.Gln371Arg). The glutamine residue is highly conserved and there is a small physicochemical difference between glutamine and arginine.